The following is an entry in ClinVar:

NM_000038.6(APC):c.8120G>A (p.Gly2707Asp)

Gene: APC (APC regulator of Wnt signaling pathway; plus strand). Cytogenetic location: 5q22.2.
Variant type: single nucleotide variant.
Coding change: c.8120G>A on transcript NM_000038.6 (MANE Select); coding-DNA position 8120, G replaced by A.
Protein change: p.Gly2707Asp; replaces glycine 2707 with aspartic acid.
Molecular consequence: missense variant.
Genome position (GRCh38, 1-based): chr5:112,843,714, G>A. VCF-style: chr5-112843714-G-A. GRCh37 (hg19) VCF-style: chr5-112179411-G-A.
Other names: c.8120G>A, p.Gly2707Asp (NM_001127510.3, NM_001354895.2, NM_001407450.1); c.8066G>A, p.Gly2689Asp (NM_001127511.3); c.8174G>A, p.Gly2725Asp (NM_001354896.2, NM_001407447.1, NM_001407448.1 and 1 more transcripts); c.8150G>A, p.Gly2717Asp (NM_001354897.2); c.8045G>A, p.Gly2682Asp (NM_001354898.2); c.8036G>A, p.Gly2679Asp (NM_001354899.2); c.7997G>A, p.Gly2666Asp (NM_001354900.2); c.7943G>A, p.Gly2648Asp (NM_001354901.2, NM_001407453.1); and 12 more; short protein forms G2323D, G2679D, G2725D, G2424D, G2606D, G2689D, G2616D, G2666D.
Identifiers: ClinVar variation 2081933 (VCV002081933.5), dbSNP rs1766651129, ClinGen allele CA16038969.

ClinVar aggregate classification (germline): Uncertain significance. Review status: criteria provided, multiple submitters, no conflicts (2 of 4 stars). 2 submissions from 2 submitters: Uncertain significance (2). Last evaluated 2026-06-18.

Conditions:
Hereditary cancer-predisposing syndrome. Also called: Tumor predisposition; Hereditary Cancer Syndrome; Hereditary neoplastic syndrome; Neoplastic Syndromes, Hereditary. Identifiers: Orphanet 140162, MedGen C0027672, MeSH D009386, MONDO:0015356.
Familial adenomatous polyposis 1 (FAP1). Also called: FAMILIAL ADENOMATOUS POLYPOSIS 1, ATTENUATED; POLYPOSIS, ADENOMATOUS INTESTINAL. Identifiers: MedGen C2713442, MONDO:0021056, OMIM 175100. Disease mechanism: loss of function.

Submissions (2):

Ambry Genetics
Classification: Uncertain significance for Hereditary cancer-predisposing syndrome. Last evaluated: 2026-06-18. Review status: criteria provided, single submitter. Criteria: Ambry Variant Classification Scheme 2023. Collection method: clinical testing. Allele origin: germline.
Comment: The p.G2707D variant (also known as c.8120G>A), located in coding exon 15 of the APC gene, results from a G to A substitution at nucleotide position 8120. The glycine at codon 2707 is replaced by aspartic acid, an amino acid with similar properties. This amino acid position is not well conserved in available vertebrate species. Missense variants in APC are not a common cause of disease (Spier I et al. Genet Med. 2024 Feb;26(2):100992). Based on the available evidence, the clinical significance of this variant remains unclear.

Labcorp Genetics (formerly Invitae), Labcorp
Classification: Uncertain significance for Familial adenomatous polyposis 1. Last evaluated: 2022-08-23. Review status: criteria provided, single submitter. Criteria: Invitae Variant Classification Sherloc (09022015). Collection method: clinical testing. Allele origin: germline.
Comment: This sequence change replaces glycine, which is neutral and non-polar, with aspartic acid, which is acidic and polar, at codon 2707 of the APC protein (p.Gly2707Asp). This variant is not present in population databases (gnomAD no frequency). This variant has not been reported in the literature in individuals affected with APC-related conditions. Algorithms developed to predict the effect of missense changes on protein structure and function are either unavailable or do not agree on the potential impact of this missense change (SIFT: "Tolerated"; PolyPhen-2: "Possibly Damaging"; Align-GVGD: "Class C0"). In summary, the available evidence is currently insufficient to determine the role of this variant in disease. Therefore, it has been classified as a Variant of Uncertain Significance.